The following is an entry in ClinVar:

NM_000350.3(ABCA4):c.6214A>G (p.Ser2072Gly)

Gene: ABCA4 (ATP binding cassette subfamily A member 4; minus strand). Cytogenetic location: 1p22.1.
Variant type: single nucleotide variant.
Coding change: c.6214A>G on transcript NM_000350.3 (MANE Select); coding-DNA position 6214, A replaced by G.
Protein change: p.Ser2072Gly; replaces serine 2072 with glycine.
Molecular consequence: missense variant.
Genome position (GRCh38, 1-based): chr1:94,001,926, T>C on the plus strand (A>G on the coding strand, the complement: ABCA4 is on the minus strand). VCF-style: chr1-94001926-T-C. GRCh37 (hg19) VCF-style: chr1-94467482-T-C.
Other names: c.5992A>G, p.Ser1998Gly (NM_001425324.1); short protein forms S1998G, S2072G.
Identifiers: ClinVar variation 2852398 (VCV002852398.3), dbSNP rs2523628002, ClinGen allele CA341278265.

ClinVar aggregate classification (germline): Likely pathogenic (1 of 4 stars; one submission).

Allele frequency attached by ClinVar (database versions not stated): gnomAD exomes below 0.00001.
gnomAD v4.1: 1 of 1,614,186 alleles (0.000062%); highest among the groups gnomAD compares: Non-Finnish European, 0.000085%; no homozygotes.

Submission:

Labcorp Genetics (formerly Invitae), Labcorp
Classification: Likely pathogenic. Last evaluated: 2023-04-06. Review status: criteria provided, single submitter. Criteria: Invitae Variant Classification Sherloc (09022015). Collection method: clinical testing. Allele origin: germline.
Comment: This sequence change replaces serine, which is neutral and polar, with glycine, which is neutral and non-polar, at codon 2072 of the ABCA4 protein (p.Ser2072Gly). This variant is not present in population databases (gnomAD no frequency). In summary, the currently available evidence indicates that the variant is pathogenic, but additional data are needed to prove that conclusively. Therefore, this variant has been classified as Likely Pathogenic. This variant disrupts the p.Ser2072 amino acid residue in ABCA4. Other variant(s) that disrupt this residue have been determined to be pathogenic (PMID: 25312043, 29555955; Invitae). This suggests that this residue is clinically significant, and that variants that disrupt this residue are likely to be disease-causing. Advanced modeling of protein sequence and biophysical properties (such as structural, functional, and spatial information, amino acid conservation, physicochemical variation, residue mobility, and thermodynamic stability) performed at Invitae indicates that this missense variant is expected to disrupt ABCA4 protein function. This variant has not been reported in the literature in individuals affected with ABCA4-related conditions.

Literature cited by the submitters: PubMed 25312043; PubMed 29555955.